The following is an entry in ClinVar:

ClinVar aggregate classification (germline): Benign/Likely benign. Review status: criteria provided, multiple submitters, no conflicts (2 of 4 stars). 6 submissions from 5 submitters: Benign (1); Likely benign (4). 1 of the submissions does not count toward it. Last evaluated 2026-09-10.

Conditions:
Adams-Oliver syndrome 5 (AOS5). Identifiers: Orphanet 974, MedGen C4014970, MONDO:0014459, OMIM 616028.
Aortic valve disease 1 (AOVD1). Identifiers: MedGen C3887892, MONDO:0024523, OMIM 109730.
NOTCH1-related disorder. Also called: NOTCH1-related disorders; NOTCH1-related condition.
Familial thoracic aortic aneurysm and aortic dissection (TAAD). Also called: Thoracic aortic aneurysms and dissections. Identifiers: Orphanet 91387, MedGen C4707243, MONDO:0019625.

Allele frequency attached by ClinVar (database versions not stated): TOPMed 0.00009; ExAC 0.00002; gnomAD exomes 0.00004 and 0.00006; gnomAD 0.00007 and 0.00008.
gnomAD v4.1: 104 of 1,611,610 alleles (0.0065%); highest among the groups gnomAD compares: Admixed American, 0.017%; no homozygotes.

Submissions (6):

Ambry Genetics
Classification: Likely benign for Familial thoracic aortic aneurysm and aortic dissection. Last evaluated: 2026-09-10. Review status: criteria provided, single submitter. Criteria: Ambry Variant Classification Scheme 2023. Collection method: clinical testing. Allele origin: germline.

Labcorp Genetics (formerly Invitae), Labcorp
Classification: Likely benign for Adams-Oliver syndrome 5. Last evaluated: 2025-11-23. Review status: criteria provided, single submitter. Criteria: Invitae Variant Classification Sherloc (09022015). Collection method: clinical testing. Allele origin: germline.

Women's Health and Genetics/Laboratory Corporation of America, LabCorp
Classification: Benign. Last evaluated: 2023-08-24. Review status: criteria provided, single submitter. Criteria: LabCorp Variant Classification Summary - May 2015. Collection method: clinical testing. Allele origin: germline.

Genome-Nilou Lab
Classification: Likely benign for Adams-Oliver syndrome 5. Last evaluated: 2022-03-15. Review status: criteria provided, single submitter. Criteria: ACMG Guidelines, 2015. Collection method: clinical testing. Allele origin: germline. Affected: no.

Genome-Nilou Lab
Classification: Likely benign for Aortic valve disease 1. Last evaluated: 2022-03-15. Review status: criteria provided, single submitter. Criteria: ACMG Guidelines, 2015. Collection method: clinical testing. Allele origin: germline. Affected: no.

PreventionGenetics, part of Exact Sciences
Classification: Likely benign for NOTCH1-related condition. Last evaluated: 2022-08-06. Review status: no assertion criteria provided. Collection method: clinical testing. Allele origin: germline. Not counted in ClinVar's aggregate classification.
Comment: This variant is classified as likely benign based on ACMG/AMP sequence variant interpretation guidelines (Richards et al. 2015 PMID: 25741868, with internal and published modifications).

NM_017617.5(NOTCH1):c.4506C>T (p.Asp1502=)

Gene: NOTCH1 (notch receptor 1; minus strand). Cytogenetic location: 9q34.3.
Variant type: single nucleotide variant.
Coding change: c.4506C>T on transcript NM_017617.5 (MANE Select); coding-DNA position 4506, C replaced by T.
Protein change: p.Asp1502=; no amino-acid change (aspartic acid 1502 retained).
Molecular consequence: synonymous variant.
Genome position (GRCh38, 1-based): chr9:136,505,390, G>A on the plus strand (C>T on the coding strand, the complement: NOTCH1 is on the minus strand). VCF-style: chr9-136505390-G-A. GRCh37 (hg19) VCF-style: chr9-139399842-G-A.
Other names: c.4506C>T, p.Asp1502= (LRG_1122t1); c.4506C>T (NM_017617.4).
Identifiers: ClinVar variation 520055 (VCV000520055.20), dbSNP rs751191827, ClinGen allele CA5340602.